The following is an entry in ClinVar:

ClinVar aggregate classification (germline): Uncertain significance (1 of 4 stars; one submission).

Submission:

GeneDx
Classification: Uncertain significance. Last evaluated: 2025-07-25. Review status: criteria provided, single submitter. Criteria: GeneDx Variant Classification Process June 2021. Collection method: clinical testing. Allele origin: germline. Affected: yes.
Comment: Not observed at significant frequency in large population cohorts (gnomAD); In silico analysis supports that this missense variant has a deleterious effect on protein structure/function; Has not been previously published as pathogenic or benign to our knowledge

NM_145691.4(ATPAF2):c.161G>T (p.Ser54Ile)

Gene: ATPAF2 (ATP synthase mitochondrial F1 complex assembly factor 2; minus strand). Cytogenetic location: 17p11.2.
Variant type: single nucleotide variant.
Coding change: c.161G>T on transcript NM_145691.4 (MANE Select); coding-DNA position 161, G replaced by T.
Protein change: p.Ser54Ile; replaces serine 54 with isoleucine.
Molecular consequence: missense variant.
Genome position (GRCh38, 1-based): chr17:18,028,632, C>A on the plus strand (G>T on the coding strand, the complement: ATPAF2 is on the minus strand). VCF-style: chr17-18028632-C-A. GRCh37 (hg19) VCF-style: chr17-17931946-C-A.
Other names: short protein forms S54I.
Identifiers: ClinVar variation 4686749 (VCV004686749.1).